The following is an entry in ClinVar:

ClinVar aggregate classification (germline): Uncertain significance (1 of 4 stars; one submission).

Conditions:
Hereditary sensory and autonomic neuropathy type 7. Also called: HSAN VII; Neuropathy, hereditary sensory and autonomic, type VII. Identifiers: Orphanet 391397, MedGen C3809882, MONDO:0014244, OMIM 615548.
Familial episodic pain syndrome with predominantly lower limb involvement. Also called: Episodic pain syndrome, familial, 3. Identifiers: Orphanet 391384, Orphanet 391392, MedGen C3809899, MONDO:0014247, OMIM 615552.

Submission:

Labcorp Genetics (formerly Invitae), Labcorp
Classification: Uncertain significance for Familial episodic pain syndrome with predominantly lower limb involvement; Hereditary sensory and autonomic neuropathy type 7. Last evaluated: 2023-11-21. Review status: criteria provided, single submitter. Criteria: Invitae Variant Classification Sherloc (09022015). Collection method: clinical testing. Allele origin: germline.
Comment: This sequence change replaces phenylalanine, which is neutral and non-polar, with isoleucine, which is neutral and non-polar, at codon 19 of the SCN11A protein (p.Phe19Ile). This variant is not present in population databases (gnomAD no frequency). This variant has not been reported in the literature in individuals affected with SCN11A-related conditions. Advanced modeling of protein sequence and biophysical properties (such as structural, functional, and spatial information, amino acid conservation, physicochemical variation, residue mobility, and thermodynamic stability) performed at Invitae indicates that this missense variant is expected to disrupt SCN11A protein function with a positive predictive value of 80%. In summary, the available evidence is currently insufficient to determine the role of this variant in disease. Therefore, it has been classified as a Variant of Uncertain Significance.

NM_001349253.2(SCN11A):c.55T>A (p.Phe19Ile)

Gene: SCN11A (sodium voltage-gated channel alpha subunit 11; minus strand). Cytogenetic location: 3p22.2.
Variant type: single nucleotide variant.
Coding change: c.55T>A on transcript NM_001349253.2 (MANE Select); coding-DNA position 55, T replaced by A.
Protein change: p.Phe19Ile; replaces phenylalanine 19 with isoleucine.
Molecular consequence: missense variant.
Genome position (GRCh38, 1-based): chr3:38,950,308, A>T on the plus strand (T>A on the coding strand, the complement: SCN11A is on the minus strand). VCF-style: chr3-38950308-A-T. GRCh37 (hg19) VCF-style: chr3-38991799-A-T.
Other names: c.55T>A, p.Phe19Ile (NM_014139.3); short protein forms F19I.
Identifiers: ClinVar variation 2951361 (VCV002951361.3), dbSNP rs2470709077, ClinGen allele CA352176899.
Genomic context (GRCh38, chr3:38,950,308, plus strand): 5'-TCTTTTTCTCCTTTTGGATGGCAATCCGCTTCTCAATTGCAGCCAGAGAGTCGGAAGTGA[A>T]GGGGCGGAAATTCCGCTCATCTGGAAAGATTACTGGGTAGCATCTGTCATCCATCTTCAC-3'
Protein context (NP_001336182.1, residues 9-29): IFPDERNFRP[Phe19Ile]TSDSLAAIEK